The following is an entry in ClinVar:

NM_014675.5(CROCC):c.4578C>T (p.Asp1526=)

Gene: CROCC (ciliary rootlet coiled-coil, rootletin; plus strand). Cytogenetic location: 1p36.13.
Variant type: single nucleotide variant.
Coding change: c.4578C>T on transcript NM_014675.5 (MANE Select); coding-DNA position 4578, C replaced by T.
Protein change: p.Asp1526=; no amino-acid change (aspartic acid 1526 retained).
Molecular consequence: synonymous variant.
Genome position (GRCh38, 1-based): chr1:16,966,001, C>T. VCF-style: chr1-16966001-C-T. GRCh37 (hg19) VCF-style: chr1-17292496-C-T.
Identifiers: ClinVar variation 2638377 (VCV002638377.24), dbSNP rs149931312, ClinGen allele CA635676.

ClinVar aggregate classification (germline): Likely benign (1 of 4 stars; one submission).

Allele frequency attached by ClinVar (database versions not stated): 1000 Genomes Project 30x 0.00016; 1000 Genomes Project 0.00020; ExAC 0.00064; TOPMed 0.00091; ESP Exome Variant Server 0.00092; gnomAD 0.00092.
gnomAD v4.1: 1,545 of 1,612,162 alleles (0.096%); highest among the groups gnomAD compares: Non-Finnish European, 0.12%; 2 homozygotes.

Submission:

CeGaT Center for Human Genetics Tuebingen
Classification: Likely benign. Last evaluated: 2022-10-01. Review status: criteria provided, single submitter. Criteria: CeGaT Center For Human Genetics Tuebingen Variant Classification Criteria Version 2. Collection method: clinical testing. Allele origin: germline. Affected: yes. Observed: 1 variant allele.
Comment: CROCC: BP4, BP7